The following is an entry in ClinVar:

ClinVar aggregate classification (germline): Uncertain significance. Review status: criteria provided, multiple submitters, no conflicts (2 of 4 stars). 2 submissions from 2 submitters: Uncertain significance (2). Last evaluated 2025-12-16.

Allele frequency attached by ClinVar (database versions not stated): gnomAD 0.00001 and 0.00003; gnomAD exomes 0.00003 and 0.00001; ExAC 0.00005; TOPMed 0.00003; 1000 Genomes Project 30x 0.00016; 1000 Genomes Project 0.00020.
gnomAD v4.1: 23 of 1,614,006 alleles (0.0014%); highest among the groups gnomAD compares: South Asian, 0.0077%; no homozygotes.

Submissions (2):

Labcorp Genetics (formerly Invitae), Labcorp
Classification: Uncertain significance. Last evaluated: 2025-12-16. Review status: criteria provided, single submitter. Criteria: Invitae Variant Classification Sherloc (09022015). Collection method: clinical testing. Allele origin: germline.
Comment: This sequence change replaces arginine, which is basic and polar, with cysteine, which is neutral and slightly polar, at codon 265 of the ATPAF2 protein (p.Arg265Cys). This variant is present in population databases (rs554622718, gnomAD 0.01%). This variant has not been reported in the literature in individuals affected with ATPAF2-related conditions. ClinVar contains an entry for this variant (Variation ID: 1702791). Invitae Evidence Modeling of protein sequence and biophysical properties (such as structural, functional, and spatial information, amino acid conservation, physicochemical variation, residue mobility, and thermodynamic stability) indicates that this missense variant is expected to disrupt ATPAF2 protein function with a positive predictive value of 80%. In summary, the available evidence is currently insufficient to determine the role of this variant in disease. Therefore, it has been classified as a Variant of Uncertain Significance.

GeneDx
Classification: Uncertain significance. Last evaluated: 2022-02-18. Review status: criteria provided, single submitter. Criteria: GeneDx Variant Classification Process June 2021. Collection method: clinical testing. Allele origin: germline. Affected: yes.
Comment: Not observed at significant frequency in large population cohorts (gnomAD); In silico analysis supports that this missense variant has a deleterious effect on protein structure/function; Has not been previously published as pathogenic or benign to our knowledge

NM_145691.4(ATPAF2):c.793C>T (p.Arg265Cys)

Gene: ATPAF2 (ATP synthase mitochondrial F1 complex assembly factor 2; minus strand). Cytogenetic location: 17p11.2.
Variant type: single nucleotide variant.
Coding change: c.793C>T on transcript NM_145691.4 (MANE Select); coding-DNA position 793, C replaced by T.
Protein change: p.Arg265Cys; replaces arginine 265 with cysteine.
Molecular consequence: missense variant.
Genome position (GRCh38, 1-based): chr17:18,018,626, G>A on the plus strand (C>T on the coding strand, the complement: ATPAF2 is on the minus strand). VCF-style: chr17-18018626-G-A. GRCh37 (hg19) VCF-style: chr17-17921940-G-A.
Other names: short protein forms R265C.
Identifiers: ClinVar variation 1702791 (VCV001702791.5), dbSNP rs554622718, ClinGen allele CA8421745.